The following is an entry in ClinVar:

NC_000017.10:g.(?_1554096)_(1557330_?)dup

Gene: PRPF8 (pre-mRNA processing factor 8; minus strand). Cytogenetic location: 17p13.3.
Variant type: Duplication.
Identifiers: ClinVar variation 2425595 (VCV002425595.5).

ClinVar aggregate classification (germline): Uncertain significance (1 of 4 stars; one submission).

Submission:

Labcorp Genetics (formerly Invitae), Labcorp
Classification: Uncertain significance. Last evaluated: 2023-05-05. Review status: criteria provided, single submitter. Criteria: Invitae Variant Classification Sherloc (09022015). Collection method: clinical testing. Allele origin: germline.
Comment: This variant results in a copy number gain of the genomic region encompassing exon(s) 38-43 of the PRPF8 gene. This region includes the termination codon of the gene. This copy number gain extends beyond the assayed region for this gene and therefore may encompass additional genes. As the precise location of this event is unknown, it may be in tandem or it may be located elsewhere in the genome. In summary, the available evidence is currently insufficient to determine the role of this variant in disease. Therefore, it has been classified as a Variant of Uncertain Significance. This variant has not been reported in the literature in individuals affected with PRPF8-related conditions.